The following is an entry in ClinVar:

ClinVar aggregate classification (germline): Uncertain significance (1 of 4 stars; one submission).

Allele frequency attached by ClinVar (database versions not stated): TOPMed 0.00001; gnomAD 0.00007; ESP Exome Variant Server 0.00008; gnomAD exomes 0.00010 and 0.00020; 1000 Genomes Project 0.00020; ExAC 0.00021; 1000 Genomes Project 30x 0.00031.
gnomAD v4.1: 155 of 1,613,758 alleles (0.0096%); highest among the groups gnomAD compares: South Asian, 0.16%; 1 homozygote.

Submission:

Labcorp Genetics (formerly Invitae), Labcorp
Classification: Uncertain significance. Last evaluated: 2021-08-31. Review status: criteria provided, single submitter. Criteria: Invitae Variant Classification Sherloc (09022015). Collection method: clinical testing. Allele origin: germline.
Comment: This sequence change replaces glutamine with arginine at codon 1039 of the LAMC3 protein (p.Gln1039Arg). The glutamine residue is moderately conserved and there is a small physicochemical difference between glutamine and arginine. This variant is present in population databases (rs143242975, ExAC 0.2%). This variant has not been reported in the literature in individuals affected with LAMC3-related conditions. Algorithms developed to predict the effect of missense changes on protein structure and function output the following: SIFT: "Deleterious"; PolyPhen-2: "Benign"; Align-GVGD: "Class C0". The arginine amino acid residue is found in multiple mammalian species, which suggests that this missense change does not adversely affect protein function. In summary, the available evidence is currently insufficient to determine the role of this variant in disease. Therefore, it has been classified as a Variant of Uncertain Significance.

NM_006059.4(LAMC3):c.3116A>G (p.Gln1039Arg)

Gene: LAMC3 (laminin subunit gamma 3; plus strand). Cytogenetic location: 9q34.12.
Variant type: single nucleotide variant.
Coding change: c.3116A>G on transcript NM_006059.4 (MANE Select); coding-DNA position 3116, A replaced by G.
Protein change: p.Gln1039Arg; replaces glutamine 1039 with arginine.
Molecular consequence: missense variant.
Genome position (GRCh38, 1-based): chr9:131,071,530, A>G. VCF-style: chr9-131071530-A-G. GRCh37 (hg19) VCF-style: chr9-133946917-A-G.
Other names: short protein forms Q1039R.
Identifiers: ClinVar variation 1506436 (VCV001506436.5), dbSNP rs143242975, ClinGen allele CA5287684.
Genomic context (GRCh38, chr9:131,071,530, plus strand): 5'-CCTGTCCTCTCCAGGCAGCCAAGCTGAAGGCCAGACTGACTTTGACGGAGGGGTGGCTCC[A>G]AGGGTCCGACTGTGGCAGTCCCTGGGGACCACTAGACATTCTGCTGGGAGAGGCCCCAAG-3'
Protein context (NP_006050.3, residues 1029-1049): ARLTLTEGWL[Gln1039Arg]GSDCGSPWGP